The following is an entry in ClinVar:

NM_031308.4(EPPK1):c.4869G>C (p.Leu1623=)

Gene: EPPK1 (epiplakin 1; minus strand). Cytogenetic location: 8q24.3.
Variant type: single nucleotide variant.
Coding change: c.4869G>C on transcript NM_031308.4 (MANE Select); coding-DNA position 4869, G replaced by C.
Protein change: p.Leu1623=; no amino-acid change (leucine 1623 retained).
Molecular consequence: synonymous variant.
Genome position (GRCh38, 1-based): chr8:143,868,385, C>G on the plus strand (G>C on the coding strand, the complement: EPPK1 is on the minus strand). VCF-style: chr8-143868385-C-G. GRCh37 (hg19) VCF-style: chr8-144942553-C-G.
Identifiers: ClinVar variation 3056769 (VCV003056769.2), dbSNP rs782374942, ClinGen allele CA4922355.

ClinVar aggregate classification (germline): Likely benign (0 of 4 stars; one submission).

Conditions:
EPPK1-related disorder. Also called: EPPK1-related condition.

Allele frequency attached by ClinVar (database versions not stated): TOPMed below 0.00001; ExAC 0.00002.

Submission:

PreventionGenetics, part of Exact Sciences
Classification: Likely benign for EPPK1-related condition. Last evaluated: 2022-07-07. Review status: no assertion criteria provided. Collection method: clinical testing. Allele origin: germline.
Comment: This variant is classified as likely benign based on ACMG/AMP sequence variant interpretation guidelines (Richards et al. 2015 PMID: 25741868, with internal and published modifications).